The following is an entry in ClinVar:

NM_018062.4(FANCL):c.526T>G (p.Ser176Ala)

Gene: FANCL (FA complementation group L; minus strand). Cytogenetic location: 2p16.1.
Variant type: single nucleotide variant.
Coding change: c.526T>G on transcript NM_018062.4 (MANE Select); coding-DNA position 526, T replaced by G.
Protein change: p.Ser176Ala; replaces serine 176 with alanine.
Molecular consequence: missense variant.
Genome position (GRCh38, 1-based): chr2:58,198,608, A>C on the plus strand (T>G on the coding strand, the complement: FANCL is on the minus strand). VCF-style: chr2-58198608-A-C. GRCh37 (hg19) VCF-style: chr2-58425743-A-C.
Other names: c.526T>G, p.Ser176Ala (NM_001410792.1, NM_001114636.2, NM_001374615.1); short protein forms S176A.
Identifiers: ClinVar variation 2064684 (VCV002064684.4), dbSNP rs541727008, ClinGen allele CA347033879.

ClinVar aggregate classification (germline): Uncertain significance (1 of 4 stars; one submission).

Conditions:
Fanconi anemia (FA). Also called: Fanconi's anemia. Identifiers: Orphanet 84, MedGen C0015625, MeSH D005199, MONDO:0019391.

Submission:

Labcorp Genetics (formerly Invitae), Labcorp
Classification: Uncertain significance for Fanconi anemia. Last evaluated: 2021-12-29. Review status: criteria provided, single submitter. Criteria: Invitae Variant Classification Sherloc (09022015). Collection method: clinical testing. Allele origin: germline.
Comment: In summary, the available evidence is currently insufficient to determine the role of this variant in disease. Therefore, it has been classified as a Variant of Uncertain Significance. Algorithms developed to predict the effect of missense changes on protein structure and function are either unavailable or do not agree on the potential impact of this missense change (SIFT: "Deleterious"; PolyPhen-2: "Probably Damaging"; Align-GVGD: "Class C0"). This variant has not been reported in the literature in individuals affected with FANCL-related conditions. This variant is not present in population databases (gnomAD no frequency). This sequence change replaces serine, which is neutral and polar, with alanine, which is neutral and non-polar, at codon 176 of the FANCL protein (p.Ser176Ala).